The following is an entry in ClinVar:

ClinVar aggregate classification (germline): Conflicting classifications of pathogenicity. Review status: criteria provided, conflicting classifications (1 of 4 stars). 8 submissions from 8 submitters: Likely pathogenic (1); Uncertain significance (7). Last evaluated 2025-05-21.

Conditions:
Alstrom syndrome (ALMS). Identifiers: Orphanet 64, MedGen C0268425, MONDO:0008763, OMIM 203800.
Cardiovascular phenotype. Identifiers: MedGen CN230736.

Allele frequency attached by ClinVar (database versions not stated): gnomAD 0.00002; gnomAD exomes 0.00002 and 0.00003; ExAC 0.00003; TOPMed 0.00003.
gnomAD v4.1: 54 of 1,613,436 alleles (0.0033%); highest among the groups gnomAD compares: East Asian, 0.0045%; no homozygotes.

Submissions (8):

Natera, Inc.
Classification: Likely pathogenic for Alstrom syndrome. Last evaluated: 2025-05-21. Review status: criteria provided, single submitter. Criteria: Natera Variant Classification Schema (03/2026). Collection method: clinical testing. Allele origin: germline.
Comment: The c.11663T>C variant in ALMS1 is a missense variant predicted to cause substitution of isoleucine to threonine at amino acid 3888. This variant is rare in the general population with a frequency below the threshold expected for the associated phenotype(s). This variant has been observed in one or more individuals affected with the associated recessive disease, as either homozygous or compound heterozygous with a second variant (PMID: 17594715). This variant has been found together with another disease-causing variant in the same copy of the gene (PMID: 17594715). Given the available evidence, this variant is classified as Likely Pathogenic.

Blueprint Genetics
Classification: Uncertain significance. Last evaluated: 2024-10-15. Review status: criteria provided, single submitter. Criteria: ACMG Guidelines, 2015. Collection method: clinical testing. Allele origin: germline.

Ambry Genetics
Classification: Uncertain significance for Cardiovascular phenotype. Last evaluated: 2023-11-14. Review status: criteria provided, single submitter. Criteria: Ambry Variant Classification Scheme 2023. Collection method: clinical testing. Allele origin: germline.
Comment: The p.I3888T variant (also known as c.11663T>C), located in coding exon 17 of the ALMS1 gene, results from a T to C substitution at nucleotide position 11663. The isoleucine at codon 3888 is replaced by threonine, an amino acid with similar properties. This alteration has been reported in subjects with features of Alstrom syndrome (Marshall JD et al. Hum Mutat, 2007 Nov;28:1114-23; Pereiro I et al. Eur J Hum Genet, 2011 Apr;19:485-8). This amino acid position is poorly conserved in available vertebrate species. In addition, this alteration is predicted to be deleterious by in silico analysis. Since supporting evidence is limited at this time, the clinical significance of this alteration remains unclear.

Women's Health and Genetics/Laboratory Corporation of America, LabCorp
Classification: Uncertain significance. Last evaluated: 2023-02-28. Review status: criteria provided, single submitter. Criteria: LabCorp Variant Classification Summary - May 2015. Collection method: clinical testing. Allele origin: germline.
Comment: Variant summary: ALMS1 c.11657T>C (p.Ile3886Thr), also known as c.11663T>C (p.Ile3888Thr), results in a non-conservative amino acid change in the encoded protein sequence. Three of four in-silico tools predict a benign effect of the variant on protein function. The variant allele was found at a frequency of 2e-05 in 248850 control chromosomes (gnomAD). c.11657T>C has been reported in the literature in individuals affected with Alstrom Syndrome (e.g. Marshall_2007, Pereiro_2011, Ozanturk_2015). These data indicate that the variant may be associated with disease. To our knowledge, no experimental evidence demonstrating an impact on protein function has been reported. Five ClinVar submitters have assessed the variant since 2014: all five classified the variant as uncertain significance. Based on the evidence outlined above, the variant was classified as VUS-possibly pathogenic.

Labcorp Genetics (formerly Invitae), Labcorp
Classification: Uncertain significance for Alstrom syndrome. Last evaluated: 2022-08-23. Review status: criteria provided, single submitter. Criteria: Invitae Variant Classification Sherloc (09022015). Collection method: clinical testing. Allele origin: germline.
Comment: This sequence change replaces isoleucine with threonine at codon 3888 of the ALMS1 protein (p.Ile3888Thr). The isoleucine residue is weakly conserved and there is a moderate physicochemical difference between isoleucine and threonine. This variant is present in population databases (rs45630562, gnomAD 0.004%). This missense change has been observed in individuals with Alstrom syndrome (PMID: 17594715). ClinVar contains an entry for this variant (Variation ID: 506260). In summary, the available evidence is currently insufficient to determine the role of this variant in disease. Therefore, it has been classified as a Variant of Uncertain Significance.

Fulgent Genetics
Classification: Uncertain significance for Alstrom syndrome. Last evaluated: 2021-09-16. Review status: criteria provided, single submitter. Criteria: ACMG Guidelines, 2015. Collection method: clinical testing. Allele origin: unknown.

GeneDx
Classification: Uncertain significance. Last evaluated: 2019-04-10. Review status: criteria provided, single submitter. Criteria: GeneDx Variant Classification Process June 2021. Collection method: clinical testing. Allele origin: germline. Affected: yes.
Comment: Not observed at a significant frequency in large population cohorts (Lek et al., 2016); In silico analysis, which includes protein predictors and evolutionary conservation, supports that this variant does not alter protein structure/function; This variant is associated with the following publications: (PMID: 25296579, 25846608, 17594715)

Laboratory for Molecular Medicine, Mass General Brigham Personalized Medicine
Classification: Uncertain significance. Last evaluated: 2018-01-17. Review status: criteria provided, single submitter. Criteria: LMM Criteria. Collection method: clinical testing. Allele origin: germline. Observed: 1 variant allele.
Comment: The p.Ile3888Thr variant in ALMS1 has been reported in 3 individuals with Alstro m syndrome, two of whom carried a pathogenic variant on the other allele. Howeve r, the third individual carried a truncating variant on the same copy (in cis) a s the p.Ile3888Thr variant, and had another pathogenic variant on the other copy of the gene (Marshall 2007). This variant has also been identified in 5/111172 European chromosomes by the Genome Aggregation Database (gnomAD; dbSNP rs45630562); though this frequency is not high enough t o rule out a pathogenic role. Furthermore, isoleucine (Ile) at position 3888 is not conserved in mammals or evolutionarily distant species and 1 mammal (Gibbon) carries a threonine (Thr) at this position, raising the possibility that this c hange may be tolerated. Additional computational prediction tools support that t he variant may not impact the protein, though this information is not predictive enough to rule out pathogenicity. In summary, the clinical significance of the p.Ile3888Thr variant is uncertain. ACMG/AMP criteria applied: PM3_Strong, PM2, PP1, BP2, BP4.

Literature cited by the submitters: PubMed 17594715 (cited by 5 submitters); PubMed 21157496 (cited by Ambry Genetics and Women's Health and Genetics/Laboratory Corporation of America, LabCorp); PubMed 25296579 (cited by Women's Health and Genetics/Laboratory Corporation of America, LabCorp and Laboratory for Molecular Medicine, Mass General Brigham Personalized Medicine); PubMed 25846608 (cited by Laboratory for Molecular Medicine, Mass General Brigham Personalized Medicine).

NM_001378454.1(ALMS1):c.11660T>C (p.Ile3887Thr)

Gene: ALMS1 (ALMS1 centrosome and basal body associated protein; plus strand). Cytogenetic location: 2p13.1.
Variant type: single nucleotide variant.
Coding change: c.11660T>C on transcript NM_001378454.1 (MANE Select); coding-DNA position 11660, T replaced by C.
Protein change: p.Ile3887Thr; replaces isoleucine 3887 with threonine.
Molecular consequence: missense variant.
Genome position (GRCh38, 1-based): chr2:73,599,513, T>C. VCF-style: chr2-73599513-T-C. GRCh37 (hg19) VCF-style: chr2-73826640-T-C.
Other names: c.11663T>C, p.Ile3888Thr (NM_015120.4); short protein forms I3888T, I3887T.
Identifiers: ClinVar variation 506260 (VCV000506260.13), dbSNP rs45630562, ClinGen allele CA1715267.